The following is an entry in ClinVar:

NM_001009944.3(PKD1):c.2948A>G (p.Asn983Ser)

Gene: PKD1 (polycystin 1, transient receptor potential channel interacting; minus strand). Cytogenetic location: 16p13.3.
Variant type: single nucleotide variant.
Coding change: c.2948A>G on transcript NM_001009944.3 (MANE Select); coding-DNA position 2948, A replaced by G.
Protein change: p.Asn983Ser; replaces asparagine 983 with serine.
Molecular consequence: missense variant.
Genome position (GRCh38, 1-based): chr16:2,113,198, T>C on the plus strand (A>G on the coding strand, the complement: PKD1 is on the minus strand). VCF-style: chr16-2113198-T-C. GRCh37 (hg19) VCF-style: chr16-2163199-T-C.
Other names: c.2948A>G, p.Asn983Ser (NM_000296.4); short protein forms N983S.
Identifiers: ClinVar variation 3066385 (VCV003066385.1), dbSNP rs753961474, ClinGen allele CA7833022.

ClinVar aggregate classification (germline): Uncertain significance (1 of 4 stars; one submission).

Conditions:
Polycystic kidney disease, adult type (PKD1). Also called: Polycystic Kidney, Autosomal Dominant; POLYCYSTIC KIDNEY DISEASE 1 WITH OR WITHOUT POLYCYSTIC LIVER DISEASE; Polycystic Kidney Disease 1, Autosomal Dominant; Polycystic kidney disease 1; Polycystic kidney disease 1, severe; POLYCYSTIC KIDNEY DISEASE, ADULT, TYPE I. Identifiers: MedGen C3149841, MONDO:0008263, OMIM 173900.

Allele frequency attached by ClinVar (database versions not stated): ExAC 0.00029.

Submission:

MVZ Medizinische Genetik Mainz
Classification: Uncertain significance for Polycystic kidney disease, adult type. Last evaluated: 2021-11-10. Review status: criteria provided, single submitter. Criteria: UK Practice Guidelines For Variant Classification V4 01 2020. Collection method: clinical testing. Allele origin: germline. Inheritance: Autosomal dominant inheritance. Affected: yes. Observed: 1 variant allele.
Comment: ACMG Criteria: PM2_SUP, PP3, PP4 (ACMG Version 3)